The following is an entry in ClinVar:

NM_004360.5(CDH1):c.2098C>A (p.Pro700Thr)

Gene: CDH1 (cadherin 1; plus strand). Cytogenetic location: 16q22.1.
Variant type: single nucleotide variant.
Coding change: c.2098C>A on transcript NM_004360.5 (MANE Select); coding-DNA position 2098, C replaced by A.
Protein change: p.Pro700Thr; replaces proline 700 with threonine.
Molecular consequence: missense variant.
Genome position (GRCh38, 1-based): chr16:68,823,560, C>A. VCF-style: chr16-68823560-C-A. GRCh37 (hg19) VCF-style: chr16-68857463-C-A.
Other names: c.2098C>A (LRG_301t1); c.1915C>A, p.Pro639Thr (NM_001317184.2); c.550C>A, p.Pro184Thr (NM_001317185.2); c.133C>A, p.Pro45Thr (NM_001317186.2); short protein forms P700T, P45T, P639T, P184T.
Identifiers: ClinVar variation 406634 (VCV000406634.28), dbSNP rs878854681, ClinGen allele CA16615409.
Genomic context (GRCh38, chr16:68,823,560, plus strand): 5'-ACCTTAGAGGTCAGCGTGTGTGACTGTGAAGGGGCCGCTGGCGTCTGTAGGAAGGCACAG[C>A]CTGTCGAAGCAGGATTGCAAATTCCTGCCATTCTGGGGATTCTTGGAGGAATTCTTGCTT-3'
Protein context (NP_004351.1, residues 690-710): GAAGVCRKAQ[Pro700Thr]VEAGLQIPAI

ClinVar aggregate classification (germline): Conflicting classifications of pathogenicity. Review status: criteria provided, conflicting classifications (1 of 4 stars). 8 submissions from 8 submitters: Uncertain significance (7); Benign (1). Last evaluated 2026-05-26.

Conditions:
Hereditary cancer-predisposing syndrome. Also called: Hereditary Cancer Syndrome; Tumor predisposition; Hereditary neoplastic syndrome; Neoplastic Syndromes, Hereditary. Identifiers: Orphanet 140162, MedGen C0027672, MeSH D009386, MONDO:0015356.
Endometrial carcinoma. Also called: Endometrial carcinoma, somatic. Identifiers: MedGen C0476089, MONDO:0002447, OMIM 608089, HP:0012114.
Hereditary diffuse gastric adenocarcinoma (HDGC). Also called: DIFFUSE GASTRIC AND LOBULAR BREAST CANCER SYNDROME. Identifiers: Orphanet 26106, MedGen C1708349, MONDO:0007648, OMIM 137215.
Ovarian cancer. Also called: OVARIAN CANCER, SOMATIC. Identifiers: Orphanet 213500, MedGen C1140680, MONDO:0008170, OMIM 167000.
Familial cancer of breast. Also called: Hereditary breast cancer; BREAST CANCER, FAMILIAL; hereditary breast carcinoma. Identifiers: Orphanet 227535, MedGen C0346153, MONDO:0016419, OMIM 114480. Disease mechanism: loss of function.
Blepharocheilodontic syndrome 1 (BCDS1). Identifiers: Orphanet 1997, MedGen C4551988, MONDO:0054740, OMIM 119580.

Allele frequency attached by ClinVar (database versions not stated): TOPMed 0.00001; gnomAD 0.00002.

Submissions (8):

Ambry Genetics
Classification: Benign for Hereditary cancer-predisposing syndrome. Last evaluated: 2026-05-26. Review status: criteria provided, single submitter. Criteria: Ambry Variant Classification Scheme 2023. Collection method: clinical testing. Allele origin: germline.

Labcorp Genetics (formerly Invitae), Labcorp
Classification: Uncertain significance for Hereditary diffuse gastric adenocarcinoma. Last evaluated: 2025-10-31. Review status: criteria provided, single submitter. Criteria: Invitae Variant Classification Sherloc (09022015). Collection method: clinical testing. Allele origin: germline.
Comment: This sequence change replaces proline, which is neutral and non-polar, with threonine, which is neutral and polar, at codon 700 of the CDH1 protein (p.Pro700Thr). This variant is present in population databases (no rsID available, gnomAD 0.01%). This variant has not been reported in the literature in individuals affected with CDH1-related conditions. ClinVar contains an entry for this variant (Variation ID: 406634). An algorithm developed to predict the effect of missense changes on protein structure and function (PolyPhen-2) suggests that this variant is likely to be tolerated. In summary, the available evidence is currently insufficient to determine the role of this variant in disease. Therefore, it has been classified as a Variant of Uncertain Significance.

Color Diagnostics, LLC DBA Color Health
Classification: Uncertain significance for Hereditary cancer-predisposing syndrome. Last evaluated: 2025-09-30. Review status: criteria provided, single submitter. Criteria: ACMG Guidelines, 2015. Collection method: clinical testing. Allele origin: germline.
Comment: This missense variant replaces proline with threonine at codon 700 of the CDH1 protein. To our knowledge, functional studies have not been reported for this variant. This variant has been reported in an individual affected with cancer that was not gastric or breast cancer (PMID: 36436516). This variant also has been detected in a breast cancer case-control meta-analysis in 0/60466 cases and 1/53461 unaffected individuals (PMID: 33471991Leiden Open Variation Database DB-ID CDH1_000657). This variant has not been identified in the general population by the Genome Aggregation Database (gnomAD). The available evidence is insufficient to determine the role of this variant in disease conclusively. Therefore, this variant is classified as a Variant of Uncertain Significance.

Center for Genomic Medicine, Rigshospitalet, Copenhagen University Hospital
Classification: Uncertain significance. Last evaluated: 2025-03-04. Review status: criteria provided, single submitter. Criteria: ACMG Guidelines, 2015. Collection method: clinical testing. Allele origin: germline.

Fulgent Genetics
Classification: Uncertain significance for Familial cancer of breast; Blepharocheilodontic syndrome 1; Hereditary diffuse gastric adenocarcinoma; Ovarian cancer; Endometrial carcinoma. Last evaluated: 2024-05-13. Review status: criteria provided, single submitter. Criteria: ACMG Guidelines, 2015. Collection method: clinical testing. Allele origin: germline.

GeneDx
Classification: Uncertain significance. Last evaluated: 2022-10-27. Review status: criteria provided, single submitter. Criteria: GeneDx Variant Classification Process June 2021. Collection method: clinical testing. Allele origin: germline. Affected: yes.
Comment: Not observed at significant frequency in large population cohorts (gnomAD); In silico analysis supports that this missense variant does not alter protein structure/function; Has not been previously published as pathogenic or benign to our knowledge; This variant is associated with the following publications: (PMID: 15235021, 22850631)

European Reference Network on Genetic Tumour Risk Syndromes (ERN-GENTURIS), i3s - Instituto de Investigação e Inovação em Saúde, University of Porto
Classification: Uncertain significance for Hereditary diffuse gastric adenocarcinoma. Last evaluated: 2022-08-01. Review status: criteria provided, single submitter. Criteria: Lee et al. (Hum Mutat. 2018). Collection method: clinical testing. Allele origin: germline. Inheritance: Autosomal dominant inheritance. Affected: no. Study: ERN GENTURIS.
Comment: Not applicable criteria (PMID: 30311375)

Genetic Services Laboratory, University of Chicago
Classification: Uncertain significance. Last evaluated: 2020-08-21. Review status: criteria provided, single submitter. Criteria: ACMG Guidelines, 2015. Collection method: clinical testing. Allele origin: germline. Affected: no.
Comment: DNA sequence analysis of the CDH1 gene demonstrated a sequence change, c.2098C>A, in exon 13 that results in an amino acid change, p.Pro700Thr. This sequence change does not appear to have been previously described in patients with CDH1-related disorders and has been described in the gnomAD database in one individual with an overall population frequency of 0.003% (dbSNP rs878854681). The p.Pro700Thr change affects a poorly conserved amino acid residue located in a domain of the CDH1 protein that is known to be functional. The p.Pro700Thr substitution appears to be benign using several in-silico pathogenicity prediction tools (SIFT, PolyPhen2, Align GVGD, REVEL). Due to these contrasting evidences and the lack of functional studies, the clinical significance of the p.Pro700Thr change remains unknown at this time.

Literature cited by the submitters: PubMed 33471991 (cited by Color Diagnostics, LLC DBA Color Health); PubMed 36436516 (cited by 3 submitters).